The following is an entry in ClinVar:

NM_000490.5(AVP):c.149G>A (p.Gly50Asp)

Gene: AVP (arginine vasopressin; minus strand). Cytogenetic location: 20p13.
Variant type: single nucleotide variant.
Coding change: c.149G>A on transcript NM_000490.5 (MANE Select); coding-DNA position 149, G replaced by A.
Protein change: p.Gly50Asp; replaces glycine 50 with aspartic acid.
Molecular consequence: missense variant.
Genome position (GRCh38, 1-based): chr20:3,083,150, C>T on the plus strand (G>A on the coding strand, the complement: AVP is on the minus strand). VCF-style: chr20-3083150-C-T. GRCh37 (hg19) VCF-style: chr20-3063796-C-T.
Other names: short protein forms G50D.
Identifiers: ClinVar variation 4991698 (VCV004991698.1).
Genomic context (GRCh38, chr20:3,083,150, plus strand): 5'-GCCGTGCCCACGAAGCAGCCCAGCTCGTCCGCGCAGCAGATGCTGGGCCCGAAGCAGCGG[C>T]CTTTGCCCCCGGGGCCGCAGGGGAGGCACTGCGGGGACGGGCGGGGTGAGCGGGAGGAGG-3'
Protein context (NP_000481.2, residues 40-60): QCLPCGPGGK[Gly50Asp]RCFGPSICCA

ClinVar aggregate classification (germline): Uncertain significance (1 of 4 stars; one submission).

Conditions:
AVP-related disorder. Also called: AVP-related condition.

Submission:

PreventionGenetics, part of Exact Sciences
Classification: Uncertain significance for AVP-related condition. Last evaluated: 2026-08-27. Review status: criteria provided, single submitter. Criteria: ACMG Guidelines, 2015. Collection method: clinical testing. Allele origin: germline.
Comment: The AVP c.149G>A variant is predicted to result in the amino acid substitution p.Gly50Asp. To our knowledge, this variant has not been reported in the literature or in a large population database (gnomAD), indicating this variant is rare. At this time, the clinical significance of this variant is uncertain due to the absence of conclusive functional and genetic evidence.